The following is an entry in ClinVar:

ClinVar aggregate classification (germline): Uncertain significance (1 of 4 stars; one submission).

Conditions:
Glycogen storage disease, type II (IOPD). Also called: Glycogen storage disease type 2; Acid maltase deficiency disease; Aglucosidase alfa; Deficiency of alpha-glucosidase; Deficiency of lysosomal alpha-glucosidase; Pompe Disease. Identifiers: Orphanet 365, MedGen C0017921, MONDO:0009290, OMIM 232300.

Allele frequency attached by ClinVar (database versions not stated): gnomAD exomes below 0.00001.
gnomAD v4.1: 1 of 1,613,392 alleles (0.000062%); highest among the groups gnomAD compares: Non-Finnish European, 0.000085%; no homozygotes.

Submission:

Labcorp Genetics (formerly Invitae), Labcorp
Classification: Uncertain significance for Glycogen storage disease, type II. Last evaluated: 2020-05-06. Review status: criteria provided, single submitter. Criteria: Invitae Variant Classification Sherloc (09022015). Collection method: clinical testing. Allele origin: germline.
Comment: In summary, the available evidence is currently insufficient to determine the role of this variant in disease. Therefore, it has been classified as a Variant of Uncertain Significance. Algorithms developed to predict the effect of missense changes on protein structure and function are either unavailable or do not agree on the potential impact of this missense change (SIFT: "Deleterious"; PolyPhen-2: "Probably Damaging"; Align-GVGD: "Class C0"). This variant has not been reported in the literature in individuals with GAA-related conditions. This variant is not present in population databases (ExAC no frequency). This sequence change replaces glycine with glutamic acid at codon 453 of the GAA protein (p.Gly453Glu). The glycine residue is highly conserved and there is a moderate physicochemical difference between glycine and glutamic acid.

NM_000152.5(GAA):c.1358G>A (p.Gly453Glu)

Gene: GAA (alpha glucosidase; plus strand). Cytogenetic location: 17q25.3.
Variant type: single nucleotide variant.
Coding change: c.1358G>A on transcript NM_000152.5 (MANE Select); coding-DNA position 1358, G replaced by A.
Protein change: p.Gly453Glu; replaces glycine 453 with glutamic acid.
Molecular consequence: missense variant.
Genome position (GRCh38, 1-based): chr17:80,109,976, G>A. VCF-style: chr17-80109976-G-A. GRCh37 (hg19) VCF-style: chr17-78083775-G-A.
Other names: c.1358G>A, p.Gly453Glu (NM_001079803.3, NM_001079804.3); short protein forms G453E.
Identifiers: ClinVar variation 1017787 (VCV001017787.8), dbSNP rs2039191662, ClinGen allele CA401366360.